The following is an entry in ClinVar:

ClinVar aggregate classification (germline): Uncertain significance (1 of 4 stars; one submission).

Conditions:
Inborn genetic diseases. Identifiers: MedGen C0950123, MeSH D030342.

gnomAD v4.1: 2 of 1,613,782 alleles (0.00012%); highest among the groups gnomAD compares: African/African-American, 0.0013%; no homozygotes.

Submission:

Ambry Genetics
Classification: Uncertain significance for Inborn genetic diseases. Last evaluated: 2025-02-04. Review status: criteria provided, single submitter. Criteria: Ambry Variant Classification Scheme 2023. Collection method: clinical testing. Allele origin: germline.
Comment: The p.A1151V variant (also known as c.3452C>T), located in coding exon 1 of the SAMD9 gene, results from a C to T substitution at nucleotide position 3452. The alanine at codon 1151 is replaced by valine, an amino acid with similar properties. This amino acid position is conserved. In addition, this alteration is predicted to be tolerated by in silico analysis. Based on the available evidence, the clinical significance of this variant remains unclear.

NM_017654.4(SAMD9):c.3452C>T (p.Ala1151Val)

Gene: SAMD9 (sterile alpha motif domain containing 9; minus strand). Cytogenetic location: 7q21.2.
Variant type: single nucleotide variant.
Coding change: c.3452C>T on transcript NM_017654.4 (MANE Select); coding-DNA position 3452, C replaced by T.
Protein change: p.Ala1151Val; replaces alanine 1151 with valine.
Molecular consequence: missense variant.
Genome position (GRCh38, 1-based): chr7:93,102,646, G>A on the plus strand (C>T on the coding strand, the complement: SAMD9 is on the minus strand). VCF-style: chr7-93102646-G-A. GRCh37 (hg19) VCF-style: chr7-92731959-G-A.
Other names: c.3452C>T, p.Ala1151Val (NM_001193307.2); short protein forms A1151V.
Identifiers: ClinVar variation 3792050 (VCV003792050.1).